The following is an entry in ClinVar:

NM_000069.3(CACNA1S):c.2454G>T (p.Ala818=)

Gene: CACNA1S (calcium voltage-gated channel subunit alpha1 S; minus strand). Cytogenetic location: 1q32.1.
Variant type: single nucleotide variant.
Coding change: c.2454G>T on transcript NM_000069.3 (MANE Select); coding-DNA position 2454, G replaced by T.
Protein change: p.Ala818=; no amino-acid change (alanine 818 retained).
Molecular consequence: synonymous variant.
Genome position (GRCh38, 1-based): chr1:201,069,508, C>A on the plus strand (G>T on the coding strand, the complement: CACNA1S is on the minus strand). VCF-style: chr1-201069508-C-A. GRCh37 (hg19) VCF-style: chr1-201038636-C-A.
Identifiers: ClinVar variation 446959 (VCV000446959.39), dbSNP rs141619541, ClinGen allele CA078998.
Genomic context (GRCh38, chr1:201,069,508, plus strand): 5'-GGCAGAGAGGGTGAAGCCCGTCACCTGATTTCTCATGGAATCAGCCCGGATGGGGTCTTC[C>A]GCAGCCAGTGCAGCGCTGCTGAGCAGGATGAAGAGCAGGATGAAGTTGGTAAACCAGGTG-3'
Protein context (NP_000060.2, residues 808-828): FILLSSAALA[Ala818=]EDPIRADSMR

ClinVar aggregate classification (germline): Benign/Likely benign. Review status: criteria provided, multiple submitters, no conflicts (2 of 4 stars). 10 submissions from 7 submitters: Benign (6); Likely benign (4). Last evaluated 2026-01-07.

Conditions:
Malignant hyperthermia, susceptibility to, 5 (MHS5). Also called: CACNA1S-Related Malignant Hyperthermia Susceptibility. Identifiers: Orphanet 423, MedGen C1866077, MONDO:0011163, OMIM 601887.
Congenital myopathy 18. Also called: DIHYDROPYRIDINE RECEPTOR CONGENITAL MYOPATHY; DHPR CONGENITAL MYOPATHY; Myopathy, congenital, due to dihydropyridine receptor defect. Identifiers: MedGen C5830283, MONDO:0859514, OMIM 620246.
Hypokalemic periodic paralysis, type 1. Also called: Hypokalemic Periodic Paralysis Type 1 (AD); HypoPP. Identifiers: Orphanet 681, MedGen C3714580, MONDO:0042979, OMIM 170400.
Thyrotoxic periodic paralysis, susceptibility to, 1 (TTPP1). Identifiers: Orphanet 79102, MedGen C2749982, MONDO:0008570, OMIM 188580.

Allele frequency attached by ClinVar (database versions not stated): TOPMed 0.00015; 1000 Genomes Project 0.00120; 1000 Genomes Project 30x 0.00125.
gnomAD v4.1: 117 of 1,598,726 alleles (0.0073%); highest among the groups gnomAD compares: East Asian, 0.25%; no homozygotes.

Submissions (10):

Labcorp Genetics (formerly Invitae), Labcorp
Classification: Benign for Hypokalemic periodic paralysis, type 1; Malignant hyperthermia, susceptibility to, 5. Last evaluated: 2026-01-07. Review status: criteria provided, single submitter. Criteria: Invitae Variant Classification Sherloc (09022015). Collection method: clinical testing. Allele origin: germline.

All of Us Research Program, National Institutes of Health
Classification: Likely benign for Malignant hyperthermia, susceptibility to, 5. Last evaluated: 2024-07-10. Review status: criteria provided, single submitter. Criteria: ACMG Guidelines, 2015. Collection method: clinical testing. Allele origin: germline. Inheritance: Autosomal dominant inheritance. Observed: 13 variant alleles, 13 heterozygotes.
Comment: This study involves interpretation of variants in research participants for the purpose of population health screening. Participant phenotype was not available at the time of variant classification. Additional details can be found in publication PMID: 35346344, PMCID: PMC8962531

Blueprint Genetics
Classification: Likely benign. Last evaluated: 2024-02-29. Review status: criteria provided, single submitter. Criteria: ACMG Guidelines, 2015. Collection method: clinical testing. Allele origin: germline.

Genome-Nilou Lab
Classification: Benign for Malignant hyperthermia, susceptibility to, 5. Last evaluated: 2023-04-11. Review status: criteria provided, single submitter. Criteria: ACMG Guidelines, 2015. Collection method: clinical testing. Allele origin: germline. Affected: no.

Genome-Nilou Lab
Classification: Benign for Thyrotoxic periodic paralysis, susceptibility to, 1. Last evaluated: 2023-04-11. Review status: criteria provided, single submitter. Criteria: ACMG Guidelines, 2015. Collection method: clinical testing. Allele origin: germline. Affected: no.

Genome-Nilou Lab
Classification: Benign for Congenital myopathy 18. Last evaluated: 2023-04-11. Review status: criteria provided, single submitter. Criteria: ACMG Guidelines, 2015. Collection method: clinical testing. Allele origin: germline. Affected: no.

Genome-Nilou Lab
Classification: Benign for Hypokalemic periodic paralysis, type 1. Last evaluated: 2023-04-11. Review status: criteria provided, single submitter. Criteria: ACMG Guidelines, 2015. Collection method: clinical testing. Allele origin: germline. Affected: no.

CeGaT Center for Human Genetics Tuebingen
Classification: Likely benign. Last evaluated: 2023-03-01. Review status: criteria provided, single submitter. Criteria: CeGaT Center For Human Genetics Tuebingen Variant Classification Criteria Version 2. Collection method: clinical testing. Allele origin: germline. Affected: yes. Observed: 1 variant allele.
Comment: CACNA1S: BP4, BP7

Color Diagnostics, LLC DBA Color Health
Classification: Likely benign for Malignant hyperthermia, susceptibility to, 5. Last evaluated: 2022-11-06. Review status: criteria provided, single submitter. Criteria: ACMG Guidelines, 2015. Collection method: clinical testing. Allele origin: germline.

Athena Diagnostics
Classification: Benign. Last evaluated: 2017-07-24. Review status: criteria provided, single submitter. Criteria: Athena Diagnostics Criteria. Collection method: clinical testing. Allele origin: germline.